The following is an entry in ClinVar:

ClinVar aggregate classification (germline): Uncertain significance (1 of 4 stars; one submission).

gnomAD v4.1: 2 of 1,209,568 alleles (0.00017%); highest among the groups gnomAD compares: African/African-American, 0.0017%; no homozygotes.

Submission:

GeneDx
Classification: Uncertain significance. Last evaluated: 2023-06-07. Review status: criteria provided, single submitter. Criteria: GeneDx Variant Classification Process June 2021. Collection method: clinical testing. Allele origin: germline. Affected: yes.
Comment: In silico analysis supports that this missense variant does not alter protein structure/function; Has not been previously published as pathogenic or benign to our knowledge

NM_001110556.2(FLNA):c.7153C>G (p.Gln2385Glu)

Gene: FLNA (filamin A; minus strand). Cytogenetic location: Xq28.
Variant type: single nucleotide variant.
Coding change: c.7153C>G on transcript NM_001110556.2 (MANE Select); coding-DNA position 7153, C replaced by G.
Protein change: p.Gln2385Glu; replaces glutamine 2385 with glutamic acid.
Molecular consequence: missense variant.
Genome position (GRCh38, 1-based): chrX:154,350,912, G>C on the plus strand (C>G on the coding strand, the complement: FLNA is on the minus strand). VCF-style: chrX-154350912-G-C. GRCh37 (hg19) VCF-style: chrX-153579280-G-C.
Other names: c.7129C>G, p.Gln2377Glu (NM_001456.4); short protein forms Q2377E, Q2385E.
Identifiers: ClinVar variation 3359279 (VCV003359279.1).